The following is an entry in ClinVar:

ClinVar aggregate classification (germline): Conflicting classifications of pathogenicity. Review status: criteria provided, conflicting classifications (1 of 4 stars). 3 submissions from 3 submitters: Uncertain significance (2); Likely benign (1). Last evaluated 2024-05-06.

Allele frequency attached by ClinVar (database versions not stated): gnomAD 0.00001 and 0.00002; TOPMed 0.00001; gnomAD exomes 0.00003; ExAC 0.00005; 1000 Genomes Project 0.00020; 1000 Genomes Project 30x 0.00031.
gnomAD v4.1: 26 of 1,603,836 alleles (0.0016%); highest among the groups gnomAD compares: South Asian, 0.02%; no homozygotes.

Submissions (3):

Labcorp Genetics (formerly Invitae), Labcorp
Classification: Uncertain significance. Last evaluated: 2024-05-06. Review status: criteria provided, single submitter. Criteria: Invitae Variant Classification Sherloc (09022015). Collection method: clinical testing. Allele origin: germline.
Comment: This sequence change replaces proline, which is neutral and non-polar, with leucine, which is neutral and non-polar, at codon 380 of the PITPNM3 protein (p.Pro380Leu). This variant is present in population databases (rs536434931, gnomAD 0.02%). This variant has not been reported in the literature in individuals affected with PITPNM3-related conditions. ClinVar contains an entry for this variant (Variation ID: 958309). Algorithms developed to predict the effect of missense changes on protein structure and function output the following: SIFT: "Not Available"; PolyPhen-2: "Benign"; Align-GVGD: "Not Available". The leucine amino acid residue is found in multiple mammalian species, which suggests that this missense change does not adversely affect protein function. In summary, the available evidence is currently insufficient to determine the role of this variant in disease. Therefore, it has been classified as a Variant of Uncertain Significance.

Ambry Genetics
Classification: Uncertain significance. Last evaluated: 2023-07-12. Review status: criteria provided, single submitter. Criteria: Ambry Variant Classification Scheme 2023. Collection method: clinical testing. Allele origin: germline.

CeGaT Center for Human Genetics Tuebingen
Classification: Likely benign. Last evaluated: 2022-08-01. Review status: criteria provided, single submitter. Criteria: CeGaT Center For Human Genetics Tuebingen Variant Classification Criteria Version 2. Collection method: clinical testing. Allele origin: germline. Affected: yes. Observed: 1 variant allele.
Comment: PITPNM3: BP4

NM_031220.4(PITPNM3):c.1139C>T (p.Pro380Leu)

Gene: PITPNM3 (PITPNM family member 3; minus strand). Cytogenetic location: 17p13.2.
Variant type: single nucleotide variant.
Coding change: c.1139C>T on transcript NM_031220.4 (MANE Select); coding-DNA position 1139, C replaced by T.
Protein change: p.Pro380Leu; replaces proline 380 with leucine.
Molecular consequence: missense variant.
Genome position (GRCh38, 1-based): chr17:6,474,551, G>A on the plus strand (C>T on the coding strand, the complement: PITPNM3 is on the minus strand). VCF-style: chr17-6474551-G-A. GRCh37 (hg19) VCF-style: chr17-6377871-G-A.
Other names: c.1031C>T, p.Pro344Leu (NM_001165966.2); short protein forms P380L, P344L.
Identifiers: ClinVar variation 958309 (VCV000958309.41), dbSNP rs536434931, ClinGen allele CA8329593.
Genomic context (GRCh38, chr17:6,474,551, plus strand): 5'-AAGAGGAAGAAGTCGGACACATCGAAGTCAAAGCGGCCCAGGCTGACCTCAGGGAGCTGC[G>A]GCCCCCCAGCCGCCGGGGTCTCAGACTCATCCTTTAGCACGCTGGAGTGGATGCTGCGGA-3'
Protein context (NP_112497.2, residues 370-390): DESETPAAGG[Pro380Leu]QLPEVSLGRF